The following is an entry in ClinVar:

ClinVar aggregate classification (germline): Uncertain significance (1 of 4 stars; one submission).

gnomAD v4.1: 2 of 1,613,910 alleles (0.00012%); highest among the groups gnomAD compares: Non-Finnish European, 0.00017%; no homozygotes.

Submission:

Labcorp Genetics (formerly Invitae), Labcorp
Classification: Uncertain significance. Last evaluated: 2024-09-02. Review status: criteria provided, single submitter. Criteria: Invitae Variant Classification Sherloc (09022015). Collection method: clinical testing. Allele origin: germline.
Comment: This sequence change replaces glutamic acid, which is acidic and polar, with glycine, which is neutral and non-polar, at codon 1131 of the ZNF687 protein (p.Glu1131Gly). This variant is not present in population databases (gnomAD no frequency). This variant has not been reported in the literature in individuals affected with ZNF687-related conditions. An algorithm developed to predict the effect of missense changes on protein structure and function outputs the following: PolyPhen-2: "Benign". The glycine amino acid residue is found in multiple mammalian species, which suggests that this missense change does not adversely affect protein function. In summary, the available evidence is currently insufficient to determine the role of this variant in disease. Therefore, it has been classified as a Variant of Uncertain Significance.

NM_020832.3(ZNF687):c.3392A>G (p.Glu1131Gly)

Gene: ZNF687 (zinc finger protein 687; plus strand). Cytogenetic location: 1q21.3.
Variant type: single nucleotide variant.
Coding change: c.3392A>G on transcript NM_020832.3 (MANE Select); coding-DNA position 3392, A replaced by G.
Protein change: p.Glu1131Gly; replaces glutamic acid 1131 with glycine.
Molecular consequence: missense variant.
Genome position (GRCh38, 1-based): chr1:151,290,887, A>G. VCF-style: chr1-151290887-A-G. GRCh37 (hg19) VCF-style: chr1-151263363-A-G.
Other names: c.3392A>G, p.Glu1131Gly (NM_001304763.2, NM_001304764.2); short protein forms E1131G.
Identifiers: ClinVar variation 3708507 (VCV003708507.2).